The following is an entry in ClinVar:

ClinVar aggregate classification (germline): Conflicting classifications of pathogenicity. Review status: criteria provided, conflicting classifications (1 of 4 stars). 7 submissions from 7 submitters: Uncertain significance (1); Benign (2); Likely benign (2). 2 of the submissions do not count toward it. Last evaluated 2026-02-01.

Conditions:
CPS1-related disorder. Also called: CPS1-related condition.
Congenital hyperammonemia, type I. Also called: Carbamoyl-phosphate synthase I deficiency; CPS I DEFICIENCY; Carbamoyl phosphate synthetase I deficiency disease; Carbamoyl phosphate synthetase 1 deficiency; Hyperammonemia due to carbamoyl phosphate synthetase 1 deficiency; CPS 1 deficiency. Identifiers: Orphanet 147, MedGen C4082171, MONDO:0009376, OMIM 237300.

Allele frequency attached by ClinVar (database versions not stated): gnomAD exomes 0.00063 and 0.00130; ExAC 0.00143; 1000 Genomes Project 30x 0.00328; 1000 Genomes Project 0.00379; gnomAD 0.00494 and 0.00546; TOPMed 0.00568; ESP Exome Variant Server 0.00661.
gnomAD v4.1: 1,723 of 1,613,872 alleles (0.11%); highest among the groups gnomAD compares: African/African-American, 1.7%; 22 homozygotes.

Submissions (7):

Labcorp Genetics (formerly Invitae), Labcorp
Classification: Benign for Congenital hyperammonemia, type I. Last evaluated: 2026-02-01. Review status: criteria provided, single submitter. Criteria: Invitae Variant Classification Sherloc (09022015). Collection method: clinical testing. Allele origin: germline.

Laboratory of Metabolic Disorders, Peking University First Hospital
Classification: Uncertain significance for Congenital hyperammonemia, type I. Last evaluated: 2023-01-09. Review status: criteria provided, single submitter. Criteria: ACMG Guidelines, 2015. Collection method: clinical testing. Allele origin: inherited. Affected: yes.

GeneDx
Classification: Likely benign. Last evaluated: 2019-01-18. Review status: criteria provided, single submitter. Criteria: GeneDx Variant Classification Process June 2021. Collection method: clinical testing. Allele origin: germline. Affected: yes.
Comment: This variant is associated with the following publications: (PMID: 24123366)

Illumina Laboratory Services, Illumina
Classification: Benign for Congenital hyperammonemia, type I. Last evaluated: 2018-01-13. Review status: criteria provided, single submitter. Criteria: ICSL Variant Classification Criteria 13 December 2019. Collection method: clinical testing. Allele origin: germline.
Comment: This variant was observed in the ICSL laboratory as part of a predisposition screen in an ostensibly healthy population. It had not been previously curated by ICSL or reported in the Human Gene Mutation Database (HGMD: prior to June 1st, 2018), and was therefore a candidate for classification through an automated scoring system. Utilizing variant allele frequency, disease prevalence and penetrance estimates, and inheritance mode, an automated score was calculated to assess if this variant is too frequent to cause the disease. Based on the score and internal cut-off values, a variant classified as benign is not then subjected to further curation. The score for this variant resulted in a classification of benign for this disease.

Breakthrough Genomics
Classification: Likely benign. Review status: criteria provided, single submitter. Criteria: ACMG Guidelines, 2015. Collection method: not provided. Allele origin: germline. Inheritance: Autosomal recessive inheritance. Affected: yes.

PreventionGenetics, part of Exact Sciences
Classification: Benign for CPS1-related condition. Last evaluated: 2022-05-02. Review status: no assertion criteria provided. Collection method: clinical testing. Allele origin: germline. Not counted in ClinVar's aggregate classification.
Comment: This variant is classified as benign based on ACMG/AMP sequence variant interpretation guidelines (Richards et al. 2015 PMID: 25741868, with internal and published modifications).

Natera, Inc.
Classification: Benign for Carbamoyl-phosphate synthase I deficiency. Last evaluated: 2019-11-11. Review status: no assertion criteria provided. Collection method: clinical testing. Allele origin: germline. Not counted in ClinVar's aggregate classification.

NM_001875.5(CPS1):c.3029C>T (p.Thr1010Met)

Gene: CPS1 (carbamoyl-phosphate synthase 1; plus strand). Cytogenetic location: 2q34.
Variant type: single nucleotide variant.
Coding change: c.3029C>T on transcript NM_001875.5 (MANE Select); coding-DNA position 3029, C replaced by T.
Protein change: p.Thr1010Met; replaces threonine 1010 with methionine.
Molecular consequence: missense variant. On other transcripts: non-coding transcript variant (2).
Genome position (GRCh38, 1-based): chr2:210,642,553, C>T. VCF-style: chr2-210642553-C-T. GRCh37 (hg19) VCF-style: chr2-211507277-C-T.
Other names: c.3029C>T, p.Thr1010Met (NM_001122633.3, NM_001369257.1); c.3062C>T, p.Thr1021Met (NM_001369256.1); short protein forms T1021M, T1010M.
Identifiers: ClinVar variation 697979 (VCV000697979.25), dbSNP rs79627159, ClinGen allele CA2086823.